The following is an entry in ClinVar:

NM_004972.4(JAK2):c.1822C>G (p.His608Asp)

Genes: INSL6 (insulin like 6; minus strand), JAK2 (Janus kinase 2; plus strand). Cytogenetic location: 9p24.1.
Variant type: single nucleotide variant.
Coding change: c.1822C>G on transcript NM_004972.4 (MANE Select); coding-DNA position 1822, C replaced by G.
Protein change: p.His608Asp; replaces histidine 608 with aspartic acid.
Molecular consequence: missense variant. On other transcripts: non-coding transcript variant (2).
Genome position (GRCh38, 1-based): chr9:5,073,743, C>G. VCF-style: chr9-5073743-C-G. GRCh37 (hg19) VCF-style: chr9-5073743-C-G.
Other names: c.1822C>G, p.His608Asp (NM_001322194.2, NM_001322195.2, NM_001322196.2); c.607C>G, p.His203Asp (NM_001322198.2, NM_001322199.2); c.1375C>G, p.His459Asp (NM_001322204.2); short protein forms H203D, H459D, H608D.
Identifiers: ClinVar variation 1803760 (VCV001803760.1), dbSNP rs1819128475, ClinGen allele CA372826580.

ClinVar aggregate classification (germline): Uncertain significance (1 of 4 stars; one submission).

Conditions:
Thrombocythemia 3 (THCYT3). Also called: THROMBOCYTOSIS 3; THROMBOCYTHEMIA 3, SOMATIC. Identifiers: MedGen C3281125, MONDO:0013794, OMIM 614521.

gnomAD v4.1: 3 of 1,612,390 alleles (0.00019%); highest among the groups gnomAD compares: Non-Finnish European, 0.00025%; no homozygotes.

Submission:

HudsonAlpha Institute for Biotechnology
Classification: Uncertain significance for Thrombocythemia 3. Last evaluated: 2020-05-15. Review status: criteria provided, single submitter. Criteria: ACMG Guidelines, 2015. Collection method: research. Allele origin: unknown. Observed: 1 variant allele. Study: HudsonAlpha-AGHI-WGS.
Comment: ACMG codes:PM2